The following is an entry in ClinVar:

ClinVar aggregate classification (germline): Uncertain significance (1 of 4 stars; one submission).

Conditions:
Cardiovascular phenotype. Identifiers: MedGen CN230736.

Submission:

Ambry Genetics
Classification: Uncertain significance for Cardiovascular phenotype. Last evaluated: 2021-11-14. Review status: criteria provided, single submitter. Criteria: Ambry Variant Classification Scheme 2023. Collection method: clinical testing. Allele origin: germline.
Comment: The p.S205A variant (also known as c.613T>G), located in coding exon 1 of the ALPK3 gene, results from a T to G substitution at nucleotide position 613. The serine at codon 205 is replaced by alanine, an amino acid with similar properties. This amino acid position is conserved. In addition, this alteration is predicted to be tolerated by in silico analysis. Since supporting evidence is limited at this time, the clinical significance of this alteration remains unclear.

NM_020778.5(ALPK3):c.7T>G (p.Ser3Ala)

Gene: ALPK3 (alpha kinase 3; plus strand). Cytogenetic location: 15q25.3.
Variant type: single nucleotide variant.
Coding change: c.7T>G on transcript NM_020778.5 (MANE Select); coding-DNA position 7, T replaced by G.
Protein change: p.Ser3Ala; replaces serine 3 with alanine.
Molecular consequence: missense variant.
Genome position (GRCh38, 1-based): chr15:84,817,459, T>G. VCF-style: chr15-84817459-T-G. GRCh37 (hg19) VCF-style: chr15-85360690-T-G.
Other names: short protein forms S3A.
Identifiers: ClinVar variation 1751835 (VCV001751835.2), dbSNP rs2505689098, ClinGen allele CA393369275.